The following is an entry in ClinVar:

ClinVar aggregate classification (germline): Uncertain significance. Review status: criteria provided, multiple submitters, no conflicts (2 of 4 stars). 2 submissions from 2 submitters: Uncertain significance (2). Last evaluated 2025-12-15.

Conditions:
Hereditary cancer-predisposing syndrome. Also called: Tumor predisposition; Hereditary neoplastic syndrome; Neoplastic Syndromes, Hereditary; Hereditary Cancer Syndrome. Identifiers: Orphanet 140162, MedGen C0027672, MeSH D009386, MONDO:0015356.

Submissions (2):

Labcorp Genetics (formerly Invitae), Labcorp
Classification: Uncertain significance for Hereditary cancer-predisposing syndrome. Last evaluated: 2025-12-15. Review status: criteria provided, single submitter. Criteria: Invitae Variant Classification Sherloc (09022015). Collection method: clinical testing. Allele origin: germline.
Comment: This sequence change replaces leucine, which is neutral and non-polar, with isoleucine, which is neutral and non-polar, at codon 750 of the RAD50 protein (p.Leu750Ile). This variant is not present in population databases (gnomAD no frequency). This variant has not been reported in the literature in individuals affected with RAD50-related conditions. ClinVar contains an entry for this variant (Variation ID: 950251). Invitae Evidence Modeling of protein sequence and biophysical properties (such as structural, functional, and spatial information, amino acid conservation, physicochemical variation, residue mobility, and thermodynamic stability) indicates that this missense variant is not expected to disrupt RAD50 protein function with a negative predictive value of 80%. In summary, the available evidence is currently insufficient to determine the role of this variant in disease. Therefore, it has been classified as a Variant of Uncertain Significance.

Ambry Genetics
Classification: Uncertain significance for Hereditary cancer-predisposing syndrome. Last evaluated: 2025-11-03. Review status: criteria provided, single submitter. Criteria: Ambry Variant Classification Scheme 2023. Collection method: clinical testing. Allele origin: germline.
Comment: The p.L750I variant (also known as c.2248T>A), located in coding exon 14 of the RAD50 gene, results from a T to A substitution at nucleotide position 2248. The leucine at codon 750 is replaced by isoleucine, an amino acid with highly similar properties. This amino acid position is highly conserved in available vertebrate species. In addition, this alteration is predicted to be tolerated by in silico analysis. Since supporting evidence is limited at this time, the clinical significance of this alteration remains unclear.

NM_005732.4(RAD50):c.2248T>A (p.Leu750Ile)

Gene: RAD50 (RAD50 double strand break repair protein; plus strand). Cytogenetic location: 5q31.1.
Variant type: single nucleotide variant.
Coding change: c.2248T>A on transcript NM_005732.4 (MANE Select); coding-DNA position 2248, T replaced by A.
Protein change: p.Leu750Ile; replaces leucine 750 with isoleucine.
Molecular consequence: missense variant.
Genome position (GRCh38, 1-based): chr5:132,603,340, T>A. VCF-style: chr5-132603340-T-A. GRCh37 (hg19) VCF-style: chr5-131939032-T-A.
Other names: short protein forms L750I.
Identifiers: ClinVar variation 950251 (VCV000950251.13), dbSNP rs1554099085, ClinGen allele CA360954000.